The following is an entry in ClinVar:

NM_000039.3(APOA1):c.471G>C (p.Lys157Asn)

Genes: APOA1 (apolipoprotein A1; minus strand), APOA1-AS (APOA1 antisense RNA; plus strand). Cytogenetic location: 11q23.3.
Variant type: single nucleotide variant.
Coding change: c.471G>C on transcript NM_000039.3 (MANE Select); coding-DNA position 471, G replaced by C.
Protein change: p.Lys157Asn; replaces lysine 157 with asparagine.
Molecular consequence: missense variant. On other transcripts: non-coding transcript variant (1).
Genome position (GRCh38, 1-based): chr11:116,836,141, C>G on the plus strand (G>C on the coding strand, the complement: APOA1 is on the minus strand). VCF-style: chr11-116836141-C-G. GRCh37 (hg19) VCF-style: chr11-116706857-C-G.
Other names: c.471G>C, p.Lys157Asn (NM_001425090.1, NM_001318017.2, NM_001318018.2); c.144G>C, p.Lys48Asn (NM_001425091.1, NM_001425092.1, NM_001318021.2); short protein forms K48N, K157N.
Identifiers: ClinVar variation 2986425 (VCV002986425.4), dbSNP rs1941540936, ClinGen allele CA382715649.

ClinVar aggregate classification (germline): Uncertain significance. Review status: criteria provided, multiple submitters, no conflicts (2 of 4 stars). 2 submissions from 2 submitters: Uncertain significance (2). Last evaluated 2026-02-02.

Conditions:
Cardiovascular phenotype. Identifiers: MedGen CN230736.

Allele frequency attached by ClinVar (database versions not stated): TOPMed below 0.00001.

Submissions (2):

Labcorp Genetics (formerly Invitae), Labcorp
Classification: Uncertain significance. Last evaluated: 2026-02-02. Review status: criteria provided, single submitter. Criteria: Invitae Variant Classification Sherloc (09022015). Collection method: clinical testing. Allele origin: germline.
Comment: This sequence change replaces lysine, which is basic and polar, with asparagine, which is neutral and polar, at codon 157 of the APOA1 protein (p.Lys157Asn). This variant is not present in population databases (gnomAD no frequency). This variant has not been reported in the literature in individuals affected with APOA1-related conditions. ClinVar contains an entry for this variant (Variation ID: 2986425). Invitae Evidence Modeling of protein sequence and biophysical properties (such as structural, functional, and spatial information, amino acid conservation, physicochemical variation, residue mobility, and thermodynamic stability) has been performed for this missense variant. However, the output from this modeling did not meet the statistical confidence thresholds required to predict the impact of this variant on APOA1 protein function. In summary, the available evidence is currently insufficient to determine the role of this variant in disease. Therefore, it has been classified as a Variant of Uncertain Significance.

Ambry Genetics
Classification: Uncertain significance for Cardiovascular phenotype. Last evaluated: 2024-11-17. Review status: criteria provided, single submitter. Criteria: Ambry Variant Classification Scheme 2023. Collection method: clinical testing. Allele origin: germline.
Comment: The p.K157N variant (also known as c.471G>C), located in coding exon 3 of the APOA1 gene, results from a G to C substitution at nucleotide position 471. The lysine at codon 157 is replaced by asparagine, an amino acid with similar properties. This amino acid position is conserved. In addition, this alteration is predicted to be tolerated by in silico analysis. Based on the available evidence, the clinical significance of this variant remains unclear.